The following is an entry in ClinVar:

ClinVar aggregate classification (germline): Uncertain significance (1 of 4 stars; one submission).

Submission:

CeGaT Center for Human Genetics Tuebingen
Classification: Uncertain significance. Last evaluated: 2025-05-01. Review status: criteria provided, single submitter. Criteria: CeGaT Center For Human Genetics Tuebingen Variant Classification Criteria Version 2. Collection method: clinical testing. Allele origin: germline. Affected: yes. Observed: 1 variant allele.
Comment: CAMTA1: PM2

NM_015215.4(CAMTA1):c.4974T>G (p.His1658Gln)

Gene: CAMTA1 (calmodulin binding transcription activator 1; plus strand). Cytogenetic location: 1p36.23.
Variant type: single nucleotide variant.
Coding change: c.4974T>G on transcript NM_015215.4 (MANE Select); coding-DNA position 4974, T replaced by G.
Protein change: p.His1658Gln; replaces histidine 1658 with glutamine.
Molecular consequence: missense variant. On other transcripts: intron variant (8).
Genome position (GRCh38, 1-based): chr1:7,755,653, T>G. VCF-style: chr1-7755653-T-G. GRCh37 (hg19) VCF-style: chr1-7815713-T-G.
Other names: c.4884T>G, p.His1628Gln (NM_001349608.2); c.4650T>G, p.His1550Gln (NM_001349610.2); c.4566T>G, p.His1522Gln (NM_001349612.2); c.2067T>G, p.His689Gln (NM_001349616.2); c.2046T>G, p.His682Gln (NM_001349617.1, NM_001349618.2); c.1728T>G, p.His576Gln (NM_001349619.2, NM_001349620.1); c.1707T>G, p.His569Gln (NM_001349625.2, NM_001349626.2); c.4640+3120T>G (NM_001349609.2); and 4 more; short protein forms H1550Q, H682Q, H689Q, H569Q, H1522Q, H1628Q, H1658Q, H576Q.
Identifiers: ClinVar variation 806025 (VCV000806025.42), dbSNP rs187614213, ClinGen allele CA338146557.
Genomic context (GRCh38, chr1:7,755,653, plus strand): 5'-CCCTCATGTGCTAATAGCTCTCTGGTGTTGTTTTACTGTCTAAAGCCCCCTGGTGGACCA[T>G]AGGCTGTACAAAAGGGTGAGTTTAGCTGCCTGCTAGCCAGTTTCTCTTCTCTTCCATTTT-3'
Protein context (NP_056030.1, residues 1648-1668): RRCRHSPLVD[His1658Gln]RLYKRSERIE